The following is an entry in ClinVar:

ClinVar aggregate classification (germline): Uncertain significance. Review status: criteria provided, single submitter (1 of 4 stars). 2 submissions from 2 submitters: Uncertain significance (1). 1 of the submissions does not count toward it. Last evaluated 2024-11-28.

Conditions:
DIP2A-related disorder. Also called: DIP2A-related condition.

Allele frequency attached by ClinVar (database versions not stated): gnomAD 0.00004; gnomAD exomes 0.00010; TOPMed 0.00015; 1000 Genomes Project 0.00020; ExAC 0.00022; 1000 Genomes Project 30x 0.00031.
gnomAD v4.1: 144 of 1,614,024 alleles (0.0089%); highest among the groups gnomAD compares: Admixed American, 0.15%; 1 homozygote.

Submissions (2):

Ambry Genetics
Classification: Uncertain significance. Last evaluated: 2024-11-28. Review status: criteria provided, single submitter. Criteria: Ambry Variant Classification Scheme 2023. Collection method: clinical testing. Allele origin: germline.

PreventionGenetics, part of Exact Sciences
Classification: Likely benign for DIP2A-related condition. Last evaluated: 2022-08-29. Review status: no assertion criteria provided. Collection method: clinical testing. Allele origin: germline. Not counted in ClinVar's aggregate classification.
Comment: This variant is classified as likely benign based on ACMG/AMP sequence variant interpretation guidelines (Richards et al. 2015 PMID: 25741868, with internal and published modifications).

NM_015151.4(DIP2A):c.2878G>T (p.Ala960Ser)

Gene: DIP2A (disco interacting protein 2 homolog A; plus strand). Cytogenetic location: 21q22.3.
Variant type: single nucleotide variant.
Coding change: c.2878G>T on transcript NM_015151.4 (MANE Select); coding-DNA position 2878, G replaced by T.
Protein change: p.Ala960Ser; replaces alanine 960 with serine.
Molecular consequence: missense variant.
Genome position (GRCh38, 1-based): chr21:46,551,672, G>T. VCF-style: chr21-46551672-G-T. GRCh37 (hg19) VCF-style: chr21-47971585-G-T.
Other names: c.2866G>T, p.Ala956Ser (NM_001146116.2); c.2881G>T, p.Ala961Ser (NM_001353942.2); c.2878G>T, p.Ala960Ser (NM_001353943.2, NM_001410751.1); short protein forms A956S, A960S, A961S.
Identifiers: ClinVar variation 3053656 (VCV003053656.3), dbSNP rs574049766, ClinGen allele CA10082578.